The following is an entry in ClinVar:

NM_182978.4(GNAL):c.376G>C (p.Gly126Arg)

Gene: GNAL (G protein subunit alpha L; plus strand). Cytogenetic location: 18p11.21.
Variant type: single nucleotide variant.
Coding change: c.376G>C on transcript NM_182978.4 (MANE Select); coding-DNA position 376, G replaced by C.
Protein change: p.Gly126Arg; replaces glycine 126 with arginine.
Molecular consequence: missense variant.
Genome position (GRCh38, 1-based): chr18:11,689,939, G>C. VCF-style: chr18-11689939-G-C. GRCh37 (hg19) VCF-style: chr18-11689938-G-C.
Other names: short protein forms G126R.
Identifiers: ClinVar variation 3346232 (VCV003346232.1).

ClinVar aggregate classification (germline): Uncertain significance (0 of 4 stars; one submission).

Conditions:
GNAL-related disorder. Also called: GNAL-related condition.

gnomAD v4.1: 2 of 1,339,448 alleles (0.00015%); highest among the groups gnomAD compares: Non-Finnish European, 0.00019%; no homozygotes.

Submission:

PreventionGenetics, part of Exact Sciences
Classification: Uncertain significance for GNAL-related condition. Last evaluated: 2024-05-10. Review status: no assertion criteria provided. Collection method: clinical testing. Allele origin: germline.
Comment: The GNAL c.376G>C variant is predicted to result in the amino acid substitution p.Gly126Arg. To our knowledge, this variant has not been reported in the literature or in a large population database, indicating this variant is rare. This variant occurs at the last nucleotide of the exon 1 and is predicted to impact splicing according to splice-prediction in silico tools (Alamut Visual Plus v1.6.1 and Splice AI, Jaganathan K, et al. 2019. PubMed ID: 30661751). Truncating variants in GNAL, such as splice variants, are expected to be pathogenic. However, the use of computer prediction programs is not equivalent to functional evidence. Although we suspect that this variant may be pathogenic, the clinical significance of this variant is classified as uncertain at this time due to insufficient functional and genetic evidence.